The following is an entry in ClinVar:

ClinVar aggregate classification (germline): Uncertain significance (1 of 4 stars; one submission).

gnomAD v4.1: 13 of 1,614,252 alleles (0.00081%); highest among the groups gnomAD compares: Middle Eastern, 0.033%; no homozygotes.

Submission:

Labcorp Genetics (formerly Invitae), Labcorp
Classification: Uncertain significance. Last evaluated: 2025-08-03. Review status: criteria provided, single submitter. Criteria: Invitae Variant Classification Sherloc (09022015). Collection method: clinical testing. Allele origin: germline.
Comment: This sequence change replaces asparagine, which is neutral and polar, with threonine, which is neutral and polar, at codon 949 of the RNF31 protein (p.Asn949Thr). This variant is present in population databases (no rsID available, gnomAD no frequency). This variant has not been reported in the literature in individuals affected with RNF31-related conditions. ClinVar contains an entry for this variant (Variation ID: 2063901). An algorithm developed to predict the effect of missense changes on protein structure and function (PolyPhen-2) suggests that this variant is likely to be disruptive. In summary, the available evidence is currently insufficient to determine the role of this variant in disease. Therefore, it has been classified as a Variant of Uncertain Significance.

NM_017999.5(RNF31):c.2846A>C (p.Asn949Thr)

Gene: RNF31 (ring finger protein 31; plus strand). Cytogenetic location: 14q12.
Variant type: single nucleotide variant.
Coding change: c.2846A>C on transcript NM_017999.5 (MANE Select); coding-DNA position 2846, A replaced by C.
Protein change: p.Asn949Thr; replaces asparagine 949 with threonine.
Molecular consequence: missense variant.
Genome position (GRCh38, 1-based): chr14:24,158,146, A>C. VCF-style: chr14-24158146-A-C. GRCh37 (hg19) VCF-style: chr14-24627355-A-C.
Other names: c.2393A>C, p.Asn798Thr (NM_001310332.2); short protein forms N798T, N949T.
Identifiers: ClinVar variation 2063901 (VCV002063901.4), dbSNP rs766565788, ClinGen allele CA257873982.